The following is an entry in ClinVar:

ClinVar aggregate classification (germline): Uncertain significance (1 of 4 stars; one submission).

Conditions:
Hereditary cancer-predisposing syndrome. Also called: Tumor predisposition; Hereditary Cancer Syndrome; Hereditary neoplastic syndrome; Neoplastic Syndromes, Hereditary. Identifiers: Orphanet 140162, MedGen C0027672, MeSH D009386, MONDO:0015356.

Submission:

Ambry Genetics
Classification: Uncertain significance for Hereditary cancer-predisposing syndrome. Last evaluated: 2024-05-08. Review status: criteria provided, single submitter. Criteria: Ambry Variant Classification Scheme 2023. Collection method: clinical testing. Allele origin: germline.
Comment: The p.T2269N variant (also known as c.6806C>A), located in coding exon 15 of the APC gene, results from a C to A substitution at nucleotide position 6806. The threonine at codon 2269 is replaced by asparagine, an amino acid with similar properties. This amino acid position is conserved. In addition, in silico predictors for this gene do not accurately predict pathogenicity. Based on the available evidence, the clinical significance of this variant remains unclear.

NM_000038.6(APC):c.6806C>A (p.Thr2269Asn)

Gene: APC (APC regulator of Wnt signaling pathway; plus strand). Cytogenetic location: 5q22.2.
Variant type: single nucleotide variant.
Coding change: c.6806C>A on transcript NM_000038.6 (MANE Select); coding-DNA position 6806, C replaced by A.
Protein change: p.Thr2269Asn; replaces threonine 2269 with asparagine.
Molecular consequence: missense variant. On other transcripts: non-coding transcript variant (2).
Genome position (GRCh38, 1-based): chr5:112,842,400, C>A. VCF-style: chr5-112842400-C-A. GRCh37 (hg19) VCF-style: chr5-112178097-C-A.
Other names: c.6806C>A, p.Thr2269Asn (NM_001127510.3, NM_001354895.2, NM_001407450.1); c.6752C>A, p.Thr2251Asn (NM_001127511.3); c.6860C>A, p.Thr2287Asn (NM_001354896.2, NM_001407447.1, NM_001407448.1 and 1 more transcripts); c.6836C>A, p.Thr2279Asn (NM_001354897.2); c.6731C>A, p.Thr2244Asn (NM_001354898.2); c.6722C>A, p.Thr2241Asn (NM_001354899.2); c.6683C>A, p.Thr2228Asn (NM_001354900.2); c.6629C>A, p.Thr2210Asn (NM_001354901.2, NM_001407453.1); and 11 more; short protein forms T2251N, T2259N, T2279N, T2287N, T2297N, T2168N, T2210N, T2244N.
Identifiers: ClinVar variation 3305201 (VCV003305201.1).